The following is an entry in ClinVar:

NM_000718.4(CACNA1B):c.3318G>A (p.Glu1106=)

Genes: CACNA1B (calcium voltage-gated channel subunit alpha1 B; plus strand), LOC101928786 (uncharacterized LOC101928786; minus strand). Cytogenetic location: 9q34.3.
Variant type: single nucleotide variant.
Coding change: c.3318G>A on transcript NM_000718.4 (MANE Select); coding-DNA position 3318, G replaced by A.
Protein change: p.Glu1106=; no amino-acid change (glutamic acid 1106 retained).
Molecular consequence: synonymous variant.
Genome position (GRCh38, 1-based): chr9:138,043,805, G>A. VCF-style: chr9-138043805-G-A. GRCh37 (hg19) VCF-style: chr9-140938257-G-A.
Other names: c.3318G>A, p.Glu1106= (NM_001243812.2); c.3318G>A (NM_000718.3).
Identifiers: ClinVar variation 2061404 (VCV002061404.30), dbSNP rs190032886, ClinGen allele CA5376623.

ClinVar aggregate classification (germline): Benign/Likely benign. Review status: criteria provided, multiple submitters, no conflicts (2 of 4 stars). 4 submissions from 4 submitters: Benign (2); Likely benign (1). 1 of the submissions does not count toward it. Last evaluated 2024-11-08.

Conditions:
CACNA1B-related disorder. Also called: CACNA1B-related condition.

Allele frequency attached by ClinVar (database versions not stated): TOPMed 0.00005; 1000 Genomes Project 30x 0.00016; 1000 Genomes Project 0.00020; gnomAD exomes 0.00035; ExAC 0.00054; gnomAD 0.00079.
gnomAD v4.1: 621 of 1,613,954 alleles (0.038%); highest among the groups gnomAD compares: Non-Finnish European, 0.0042%; 4 homozygotes.

Submissions (4):

Blueprint Genetics
Classification: Benign. Last evaluated: 2024-11-08. Review status: criteria provided, single submitter. Criteria: ACMG Guidelines, 2015. Collection method: clinical testing. Allele origin: germline.

Labcorp Genetics (formerly Invitae), Labcorp
Classification: Benign. Last evaluated: 2024-11-06. Review status: criteria provided, single submitter. Criteria: Invitae Variant Classification Sherloc (09022015). Collection method: clinical testing. Allele origin: germline.

CeGaT Center for Human Genetics Tuebingen
Classification: Likely benign. Last evaluated: 2022-07-01. Review status: criteria provided, single submitter. Criteria: CeGaT Center For Human Genetics Tuebingen Variant Classification Criteria Version 2. Collection method: clinical testing. Allele origin: germline. Affected: yes. Observed: 1 variant allele.
Comment: CACNA1B: BP4, BP7

PreventionGenetics, part of Exact Sciences
Classification: Likely benign for CACNA1B-related condition. Last evaluated: 2019-04-10. Review status: no assertion criteria provided. Collection method: clinical testing. Allele origin: germline. Not counted in ClinVar's aggregate classification.
Comment: This variant is classified as likely benign based on ACMG/AMP sequence variant interpretation guidelines (Richards et al. 2015 PMID: 25741868, with internal and published modifications).